The following is an entry in ClinVar:

ClinVar aggregate classification (germline): Uncertain significance (1 of 4 stars; one submission).

Submission:

ARUP Laboratories, Molecular Genetics and Genomics, ARUP Laboratories
Classification: Uncertain significance. Last evaluated: 2024-09-05. Review status: criteria provided, single submitter. Criteria: ARUP Molecular Germline Variant Investigation Process 2024. Collection method: clinical testing. Allele origin: germline.
Comment: The FBN2 c.5322A>T; p.Lys1774Asn variant, to our knowledge, is not reported in the medical literature or gene specific databases. This variant is absent from the Genome Aggregation Database (v2.1.1), indicating it is not a common polymorphism. Computational analyses are uncertain whether this variant is neutral or deleterious (REVEL: 0.539). Due to limited information, the clinical significance of this variant is uncertain at this time.

NM_001999.4(FBN2):c.5322A>T (p.Lys1774Asn)

Gene: FBN2 (fibrillin 2; minus strand). Cytogenetic location: 5q23.3.
Variant type: single nucleotide variant.
Coding change: c.5322A>T on transcript NM_001999.4 (MANE Select); coding-DNA position 5322, A replaced by T.
Protein change: p.Lys1774Asn; replaces lysine 1774 with asparagine.
Molecular consequence: missense variant.
Genome position (GRCh38, 1-based): chr5:128,309,278, T>A on the plus strand (A>T on the coding strand, the complement: FBN2 is on the minus strand). VCF-style: chr5-128309278-T-A. GRCh37 (hg19) VCF-style: chr5-127644970-T-A.
Other names: short protein forms K1774N.
Identifiers: ClinVar variation 3766818 (VCV003766818.1).